The following is an entry in ClinVar:

ClinVar aggregate classification (germline): Uncertain significance (1 of 4 stars; one submission).

gnomAD v4.1: 22 of 1,605,010 alleles (0.0014%); highest among the groups gnomAD compares: Non-Finnish European, 0.0019%; no homozygotes.

Submission:

Ambry Genetics
Classification: Uncertain significance. Last evaluated: 2025-10-22. Review status: criteria provided, single submitter. Criteria: Ambry Variant Classification Scheme 2023. Collection method: clinical testing. Allele origin: germline.
Comment: The c.53A>C (p.K18T) alteration is located in exon 2 (coding exon 1) of the ADNP2 gene. This alteration results from a A to C substitution at nucleotide position 53, causing the lysine (K) at amino acid position 18 to be replaced by a threonine (T). Based on data from gnomAD, the C allele has an overall frequency of 0.003% (7/274310) total alleles studied. The highest observed frequency was 0.006% (7/127058) of European (non-Finnish) alleles. Based on insufficient or conflicting evidence, the clinical significance of this alteration remains unclear.

NM_014913.4(ADNP2):c.53A>C (p.Lys18Thr)

Gene: ADNP2 (ADNP homeobox 2; plus strand). Cytogenetic location: 18q23.
Variant type: single nucleotide variant.
Coding change: c.53A>C on transcript NM_014913.4 (MANE Select); coding-DNA position 53, A replaced by C.
Protein change: p.Lys18Thr; replaces lysine 18 with threonine.
Molecular consequence: missense variant.
Genome position (GRCh38, 1-based): chr18:80,117,595, A>C. VCF-style: chr18-80117595-A-C. GRCh37 (hg19) VCF-style: chr18-77875478-A-C.
Other names: short protein forms K18T.
Identifiers: ClinVar variation 4638527 (VCV004638527.1).